The following is an entry in ClinVar:

ClinVar aggregate classification (germline): Uncertain significance. Review status: criteria provided, multiple submitters, no conflicts (2 of 4 stars). 2 submissions from 2 submitters: Uncertain significance (2). Last evaluated 2023-04-24.

Allele frequency attached by ClinVar (database versions not stated): ExAC 0.00001; gnomAD exomes 0.00001; gnomAD 0.00002.

Submissions (2):

GeneDx
Classification: Uncertain significance. Last evaluated: 2023-04-24. Review status: criteria provided, single submitter. Criteria: GeneDx Variant Classification Process June 2021. Collection method: clinical testing. Allele origin: germline. Affected: yes.
Comment: In silico analysis supports that this missense variant does not alter protein structure/function; Has not been previously published as pathogenic or benign to our knowledge

Breakthrough Genomics
Classification: Uncertain significance. Review status: criteria provided, single submitter. Criteria: ACMG Guidelines, 2015. Collection method: not provided. Allele origin: germline. Inheritance: Autosomal dominant inheritance. Affected: yes.

NM_014208.3(DSPP):c.1392T>A (p.Asp464Glu)

Genes: DMP1-AS1 (DMP1 and DSPP antisense RNA 1; minus strand), DSPP (dentin sialophosphoprotein; plus strand). Cytogenetic location: 4q22.1.
Variant type: single nucleotide variant.
Coding change: c.1392T>A on transcript NM_014208.3 (MANE Select); coding-DNA position 1392, T replaced by A.
Protein change: p.Asp464Glu; replaces aspartic acid 464 with glutamic acid.
Molecular consequence: missense variant.
Genome position (GRCh38, 1-based): chr4:87,614,054, T>A. VCF-style: chr4-87614054-T-A. GRCh37 (hg19) VCF-style: chr4-88535206-T-A.
Other names: short protein forms D464E.
Identifiers: ClinVar variation 2663045 (VCV002663045.2), dbSNP rs750248048, ClinGen allele CA3001093.
Genomic context (GRCh38, chr4:87,614,054, plus strand): 5'-CAGCAATAGTGATGGATATGACAGTTATGATTTTGATGATAAGTCCATGCAAGGAGATGA[T>A]CCCAATAGCAGTGATGAATCTAATGGCAATGATGATGCTAATTCAGAAAGTGACAATAAC-3'
Protein context (NP_055023.2, residues 454-474): DFDDKSMQGD[Asp464Glu]PNSSDESNGN